The following is an entry in ClinVar:

ClinVar aggregate classification (germline): Likely benign. Review status: criteria provided, multiple submitters, no conflicts (2 of 4 stars). 2 submissions from 2 submitters: Likely benign (2). Last evaluated 2025-03-24.

Conditions:
Juvenile polyposis/hereditary hemorrhagic telangiectasia syndrome (JPHT). Also called: JP/HHT SYNDROME; JUVENILE POLYPOSIS WITH HEREDITARY HEMORRHAGIC TELANGIECTASIA; POLYPOSIS, GENERALIZED JUVENILE, WITH PULMONARY ARTERIOVENOUS MALFORMATION; TELANGIECTASIA, HEREDITARY HEMORRHAGIC, WITH JUVENILE POLYPOSIS COLI; Juvenile Polyposis Syndrome / Hereditary Hemorrhagic Telangiectasia (JPS/HHT). Identifiers: Orphanet 2929, MedGen C1832942, MONDO:0008278, OMIM 175050.
Juvenile polyposis syndrome (JPS). Identifiers: Orphanet 2929, MedGen C0345893, MONDO:0017380, OMIM 174900.

Allele frequency attached by ClinVar (database versions not stated): TOPMed 0.00001.

Submissions (2):

Myriad Genetics, Inc.
Classification: Likely benign for Juvenile polyposis/hereditary hemorrhagic telangiectasia syndrome. Last evaluated: 2025-03-24. Review status: criteria provided, single submitter. Criteria: Myriad Autosomal Dominant, Autosomal Recessive and X-Linked Classification Criteria (2023). Collection method: clinical testing. Allele origin: unknown.
Comment: This variant is considered likely benign. This variant is intronic and is not expected to impact mRNA splicing.

Labcorp Genetics (formerly Invitae), Labcorp
Classification: Likely benign for Juvenile polyposis syndrome. Last evaluated: 2022-08-31. Review status: criteria provided, single submitter. Criteria: Invitae Variant Classification Sherloc (09022015). Collection method: clinical testing. Allele origin: germline.

NM_005359.6(SMAD4):c.1448-15A>C

Gene: SMAD4 (SMAD family member 4; plus strand). Cytogenetic location: 18q21.2.
Variant type: single nucleotide variant.
Coding change: c.1448-15A>C on transcript NM_005359.6 (MANE Select); 15 bases into the intron before coding-DNA position 1448, A replaced by C.
Molecular consequence: intron variant.
Genome position (GRCh38, 1-based): chr18:51,078,241, A>C. VCF-style: chr18-51078241-A-C. GRCh37 (hg19) VCF-style: chr18-48604611-A-C.
Identifiers: ClinVar variation 2165081 (VCV002165081.5), dbSNP rs970793685, ClinGen allele CA780206315.
Genomic context (GRCh38, chr18:51,078,241, plus strand): 5'-GATTAATTTAGAATGTAGGGAGGATGGGAAGAGATCACCCTGTCCCTCTGATGTCTTCCA[A>C]ATCTTTTCTGTTAGGTCTGTCAGCTGCTGCTGGAATTGGTGTTGATGACCTTCGTCGCTT-3'